The following is an entry in ClinVar:

NM_015338.6(ASXL1):c.4114A>G (p.Thr1372Ala)

Gene: ASXL1 (ASXL transcriptional regulator 1; plus strand). Cytogenetic location: 20q11.21.
Variant type: single nucleotide variant.
Coding change: c.4114A>G on transcript NM_015338.6 (MANE Select); coding-DNA position 4114, A replaced by G.
Protein change: p.Thr1372Ala; replaces threonine 1372 with alanine.
Molecular consequence: missense variant.
Genome position (GRCh38, 1-based): chr20:32,436,826, A>G. VCF-style: chr20-32436826-A-G. GRCh37 (hg19) VCF-style: chr20-31024629-A-G.
Other names: c.3931A>G, p.Thr1311Ala (NM_001363734.1); short protein forms T1311A, T1372A.
Identifiers: ClinVar variation 2845689 (VCV002845689.5), dbSNP rs1157660270, ClinGen allele CA408564476.

ClinVar aggregate classification (germline): Uncertain significance. Review status: criteria provided, multiple submitters, no conflicts (2 of 4 stars). 2 submissions from 2 submitters: Uncertain significance (2). Last evaluated 2026-03-26.

Conditions:
Inborn genetic diseases. Identifiers: MedGen C0950123, MeSH D030342.

Allele frequency attached by ClinVar (database versions not stated): gnomAD exomes below 0.00001; TOPMed 0.00001.
gnomAD v4.1: 2 of 1,614,146 alleles (0.00012%); highest among the groups gnomAD compares: Admixed American, 0.0017%; no homozygotes.

Submissions (2):

Ambry Genetics
Classification: Uncertain significance for Inborn genetic diseases. Last evaluated: 2026-03-26. Review status: criteria provided, single submitter. Criteria: Ambry Variant Classification Scheme 2023. Collection method: clinical testing. Allele origin: germline.

Labcorp Genetics (formerly Invitae), Labcorp
Classification: Uncertain significance. Last evaluated: 2023-08-28. Review status: criteria provided, single submitter. Criteria: Invitae Variant Classification Sherloc (09022015). Collection method: clinical testing. Allele origin: germline.
Comment: This variant has not been reported in the literature in individuals affected with ASXL1-related conditions. This variant is present in population databases (no rsID available, gnomAD 0.0009%). This sequence change replaces threonine, which is neutral and polar, with alanine, which is neutral and non-polar, at codon 1372 of the ASXL1 protein (p.Thr1372Ala). Algorithms developed to predict the effect of missense changes on protein structure and function output the following: SIFT: "Not Available"; PolyPhen-2: "Benign"; Align-GVGD: "Not Available". The alanine amino acid residue is found in multiple mammalian species, which suggests that this missense change does not adversely affect protein function. In summary, the available evidence is currently insufficient to determine the role of this variant in disease. Therefore, it has been classified as a Variant of Uncertain Significance.